The following is an entry in ClinVar:

ClinVar aggregate classification (germline): Uncertain significance (1 of 4 stars; one submission).

Conditions:
ZMYND8-related neurodevelopmental disorder.

Submission:

Dasa
Classification: Uncertain significance for ZMYND8-related neurodevelopmental disorder. Last evaluated: 2026-01-16. Review status: criteria provided, single submitter. Criteria: DASA Assertion Criteria. Collection method: clinical testing. Allele origin: germline.
Comment: NM_001281775.3(ZMYND8):c.3641_3643dup (p.Asn1214dup) is an in-frame duplication predicted to duplicate asparagine at protein position 1214 without shifting the reading frame. This variant is absent from population databases. The currently available literature and clinical evidence are not sufficient to establish a definitive association between this variant and the reported condition. Therefore, this variant is classified as a variant of uncertain significance.

NM_001281775.3(ZMYND8):c.3638ACA[3] (p.Asn1214_Thr1215insAsn)

Gene: ZMYND8 (zinc finger MYND-type containing 8; minus strand). Cytogenetic location: 20q13.12.
Variant type: Microsatellite.
Coding change: c.3638ACA[3] on transcript NM_001281775.3 (MANE Select); three copies in a row of the 3-base unit ACA starting at c.3638; the reference has two copies in a row; one copy, 3 bases duplicated; also written c.3641_3643dup.
Protein change: p.Asn1214_Thr1215insAsn.
Molecular consequence: inframe insertion.
Genome position (GRCh38, 1-based): chr20:47,210,823-47,210,825, TGT duplicated on the plus strand (ACA on the coding strand, the reverse complement: ZMYND8 is on the minus strand); duplicating any 3 consecutive bases within chr20:47,210,823-47,210,828 gives the same sequence; the position shown is the placement nearest the transcript's 3' end. VCF-style (leftmost placement, unchanged base first): chr20-47210822-G-GTGT. GRCh37 (hg19) VCF-style: chr20-45839467-G-GTGT.
Other names: c.3098ACA[3], p.Asn1034_Thr1035insAsn (NM_001281771.3); c.3494ACA[3], p.Asn1166_Thr1167insAsn (NM_001281772.3, NM_001363741.2); c.3578ACA[3], p.Asn1194_Thr1195insAsn (NM_001281773.3); c.3440ACA[3], p.Asn1148_Thr1149insAsn (NM_001281774.3); c.3257ACA[3], p.Asn1087_Thr1088insAsn (NM_001281776.3); c.3425ACA[3], p.Asn1143_Thr1144insAsn (NM_001281777.3); c.3479ACA[3], p.Asn1161_Thr1162insAsn (NM_001281778.3); c.2696ACA[3], p.Asn900_Thr901insAsn (NM_001281779.3); and 10 more.
Identifiers: ClinVar variation 4884058 (VCV004884058.2).
Genomic context (GRCh38, chr20:47,210,822, plus strand): 5'-TAGTCCCAGAAGGTGTCCAGCCGAGACTCTTTCGGGAGGAGGCTCTTCGTGCTGGTACTG[G>GTGT]TGTTGTGATCGGAACGTGTCGATCCCCTCTTCTCATCACTGCTGCTCCAACTGGATTTAT-3'